The following is an entry in ClinVar:

ClinVar aggregate classification (germline): Uncertain significance. Review status: criteria provided, multiple submitters, no conflicts (2 of 4 stars). 2 submissions from 2 submitters: Uncertain significance (2). Last evaluated 2025-04-20.

Conditions:
BMP7-related disorder. Also called: BMP7-related condition.

Allele frequency attached by ClinVar (database versions not stated): TOPMed 0.00007; ExAC 0.00008; ESP Exome Variant Server 0.00023.
gnomAD v4.1: 98 of 1,614,042 alleles (0.0061%); highest among the groups gnomAD compares: Non-Finnish European, 0.0081%; no homozygotes.

Submissions (2):

Labcorp Genetics (formerly Invitae), Labcorp
Classification: Uncertain significance. Last evaluated: 2025-04-20. Review status: criteria provided, single submitter. Criteria: Invitae Variant Classification Sherloc (09022015). Collection method: clinical testing. Allele origin: germline.
Comment: This sequence change replaces leucine, which is neutral and non-polar, with phenylalanine, which is neutral and non-polar, at codon 160 of the BMP7 protein (p.Leu160Phe). This variant is present in population databases (rs202227032, gnomAD 0.009%). This variant has not been reported in the literature in individuals affected with BMP7-related conditions. ClinVar contains an entry for this variant (Variation ID: 2634509). An algorithm developed to predict the effect of missense changes on protein structure and function (PolyPhen-2) suggests that this variant is likely to be disruptive. In summary, the available evidence is currently insufficient to determine the role of this variant in disease. Therefore, it has been classified as a Variant of Uncertain Significance.

PreventionGenetics, part of Exact Sciences
Classification: Uncertain significance for BMP7-related condition. Last evaluated: 2023-03-06. Review status: criteria provided, single submitter. Criteria: ACMG Guidelines, 2015. Collection method: clinical testing. Allele origin: germline.
Comment: The BMP7 c.478C>T variant is predicted to result in the amino acid substitution p.Leu160Phe. To our knowledge, this variant has not been reported in the literature. This variant is reported in 0.0070% of alleles in individuals of European (Non-Finnish) descent in gnomAD. At this time, the clinical significance of this variant is uncertain due to the absence of conclusive functional and genetic evidence.

NM_001719.3(BMP7):c.478C>T (p.Leu160Phe)

Gene: BMP7 (bone morphogenetic protein 7; minus strand). Cytogenetic location: 20q13.31.
Variant type: single nucleotide variant.
Coding change: c.478C>T on transcript NM_001719.3 (MANE Select); coding-DNA position 478, C replaced by T.
Protein change: p.Leu160Phe; replaces leucine 160 with phenylalanine.
Molecular consequence: missense variant.
Genome position (GRCh38, 1-based): chr20:57,228,362, G>A on the plus strand (C>T on the coding strand, the complement: BMP7 is on the minus strand). VCF-style: chr20-57228362-G-A. GRCh37 (hg19) VCF-style: chr20-55803418-G-A.
Other names: short protein forms L160F.
Identifiers: ClinVar variation 2634509 (VCV002634509.2), dbSNP rs202227032, ClinGen allele CA9919812.